The following is an entry in ClinVar:

NM_182914.3(SYNE2):c.15413C>G (p.Thr5138Arg)

Gene: SYNE2 (spectrin repeat containing nuclear envelope protein 2; plus strand). Cytogenetic location: 14q23.2.
Variant type: single nucleotide variant.
Coding change: c.15413C>G on transcript NM_182914.3 (MANE Select); coding-DNA position 15413, C replaced by G.
Protein change: p.Thr5138Arg; replaces threonine 5138 with arginine.
Molecular consequence: missense variant.
Genome position (GRCh38, 1-based): chr14:64,143,878, C>G. VCF-style: chr14-64143878-C-G. GRCh37 (hg19) VCF-style: chr14-64610596-C-G.
Other names: c.15413C>G (NM_182914.2); c.15413C>G, p.Thr5138Arg (NM_015180.6); short protein forms T5138R.
Identifiers: ClinVar variation 3705842 (VCV003705842.3).

ClinVar aggregate classification (germline): Uncertain significance. Review status: criteria provided, multiple submitters, no conflicts (2 of 4 stars). 2 submissions from 2 submitters: Uncertain significance (2). Last evaluated 2025-03-26.

Conditions:
Emery-Dreifuss muscular dystrophy 5, autosomal dominant (EDMD5). Also called: EMERY-DREIFUSS MUSCULAR DYSTROPHY 5. Identifiers: Orphanet 261, MedGen C2751805, MONDO:0013072, OMIM 612999.

gnomAD v4.1: 6 of 1,614,128 alleles (0.00037%); highest among the groups gnomAD compares: Non-Finnish European, 0.00051%; no homozygotes.

Submissions (2):

Ambry Genetics
Classification: Uncertain significance. Last evaluated: 2025-03-26. Review status: criteria provided, single submitter. Criteria: Ambry Variant Classification Scheme 2023. Collection method: clinical testing. Allele origin: germline.

Labcorp Genetics (formerly Invitae), Labcorp
Classification: Uncertain significance for Emery-Dreifuss muscular dystrophy 5, autosomal dominant. Last evaluated: 2025-01-05. Review status: criteria provided, single submitter. Criteria: Invitae Variant Classification Sherloc (09022015). Collection method: clinical testing. Allele origin: germline.
Comment: This sequence change replaces threonine, which is neutral and polar, with arginine, which is basic and polar, at codon 5138 of the SYNE2 protein (p.Thr5138Arg). This variant is present in population databases (rs145018323, gnomAD 0.002%). This variant has not been reported in the literature in individuals affected with SYNE2-related conditions. An algorithm developed to predict the effect of missense changes on protein structure and function (PolyPhen-2) suggests that this variant is likely to be disruptive. In summary, the available evidence is currently insufficient to determine the role of this variant in disease. Therefore, it has been classified as a Variant of Uncertain Significance.